The following is an entry in ClinVar:

ClinVar aggregate classification (germline): Pathogenic. Review status: criteria provided, multiple submitters, no conflicts (2 of 4 stars). 2 submissions from 2 submitters: Pathogenic (2). Last evaluated 2023-06-01.

Submissions (2):

CeGaT Center for Human Genetics Tuebingen
Classification: Pathogenic. Last evaluated: 2023-06-01. Review status: criteria provided, single submitter. Criteria: CeGaT Center For Human Genetics Tuebingen Variant Classification Criteria Version 2. Collection method: clinical testing. Allele origin: germline. Affected: yes. Observed: 1 variant allele.
Comment: KIF11: PVS1, PM2

Labcorp Genetics (formerly Invitae), Labcorp
Classification: Pathogenic. Last evaluated: 2022-07-06. Review status: criteria provided, single submitter. Criteria: Invitae Variant Classification Sherloc (09022015). Collection method: clinical testing. Allele origin: germline.
Comment: This sequence change creates a premature translational stop signal (p.Tyr211Leufs*23) in the KIF11 gene. It is expected to result in an absent or disrupted protein product. Loss-of-function variants in KIF11 are known to be pathogenic (PMID: 22284827, 24281367). For these reasons, this variant has been classified as Pathogenic. ClinVar contains an entry for this variant (Variation ID: 1074360). This variant has not been reported in the literature in individuals affected with KIF11-related conditions. This variant is not present in population databases (gnomAD no frequency).

Literature cited by the submitters: PubMed 22284827 (cited by Labcorp Genetics (formerly Invitae), Labcorp); PubMed 24281367 (cited by Labcorp Genetics (formerly Invitae), Labcorp).

NM_004523.4(KIF11):c.631dup (p.Tyr211fs)

Gene: KIF11 (kinesin family member 11; plus strand). Cytogenetic location: 10q23.33.
Variant type: Duplication.
Coding change: c.631dup on transcript NM_004523.4 (MANE Select); coding-DNA position 631, one base duplicated (T; older notation c.631dupT).
Protein change: p.Tyr211fs; shifts the reading frame from tyrosine 211.
Molecular consequence: frameshift variant.
Genome position (GRCh38, 1-based): chr10:92,609,442, T duplicated. VCF-style (leftmost placement, unchanged base first): chr10-92609441-C-CT. GRCh37 (hg19) VCF-style: chr10-94369198-C-CT.
Other names: short protein forms Y211fs.
Identifiers: ClinVar variation 1074360 (VCV001074360.33), dbSNP rs2135902915, ClinGen allele CA2499220496.
Genomic context (GRCh38, chr10:92,609,441, plus strand): 5'-TCAGAGAGGAGTGATAATTAAAGGTTTAGAAGAAATTACAGTACACAACAAGGATGAAGT[C>CT]TATCAAATTTTAGAAAAGGGGGCAGCAAAAAGGACAACTGCAGCTACTCTGATGAATGCA-3'